The following is an entry in ClinVar:

NM_017986.4(SLC52A1):c.976C>G (p.Leu326Val)

Gene: SLC52A1 (solute carrier family 52 member 1; minus strand). Cytogenetic location: 17p13.2.
Variant type: single nucleotide variant.
Coding change: c.976C>G on transcript NM_017986.4 (MANE Select); coding-DNA position 976, C replaced by G.
Protein change: p.Leu326Val; replaces leucine 326 with valine.
Molecular consequence: missense variant.
Genome position (GRCh38, 1-based): chr17:5,033,513, G>C on the plus strand (C>G on the coding strand, the complement: SLC52A1 is on the minus strand). VCF-style: chr17-5033513-G-C. GRCh37 (hg19) VCF-style: chr17-4936808-G-C.
Other names: c.976C>G, p.Leu326Val (NM_001104577.2); short protein forms L326V.
Identifiers: ClinVar variation 3630981 (VCV003630981.2).

ClinVar aggregate classification (germline): Uncertain significance (1 of 4 stars; one submission).

Conditions:
Vitamin B2 deficiency. Identifiers: MedGen C0035528.

Submission:

Labcorp Genetics (formerly Invitae), Labcorp
Classification: Uncertain significance for Vitamin B2 deficiency. Last evaluated: 2024-03-09. Review status: criteria provided, single submitter. Criteria: Invitae Variant Classification Sherloc (09022015). Collection method: clinical testing. Allele origin: germline.
Comment: This sequence change replaces leucine, which is neutral and non-polar, with valine, which is neutral and non-polar, at codon 326 of the SLC52A1 protein (p.Leu326Val). This variant is not present in population databases (gnomAD no frequency). This variant has not been reported in the literature in individuals affected with SLC52A1-related conditions. Advanced modeling of protein sequence and biophysical properties (such as structural, functional, and spatial information, amino acid conservation, physicochemical variation, residue mobility, and thermodynamic stability) performed at Invitae indicates that this missense variant is not expected to disrupt SLC52A1 protein function with a negative predictive value of 80%. In summary, the available evidence is currently insufficient to determine the role of this variant in disease. Therefore, it has been classified as a Variant of Uncertain Significance.